The following is an entry in ClinVar:

NM_032387.5(WNK4):c.2224C>G (p.Gln742Glu)

Gene: WNK4 (WNK lysine deficient protein kinase 4; plus strand). Cytogenetic location: 17q21.2.
Variant type: single nucleotide variant.
Coding change: c.2224C>G on transcript NM_032387.5 (MANE Select); coding-DNA position 2224, C replaced by G.
Protein change: p.Gln742Glu; replaces glutamine 742 with glutamic acid.
Molecular consequence: missense variant.
Genome position (GRCh38, 1-based): chr17:42,793,658, C>G. VCF-style: chr17-42793658-C-G. GRCh37 (hg19) VCF-style: chr17-40945676-C-G.
Other names: p.Gln742Glu; c.1216C>G, p.Gln406Glu (NM_001321299.2); short protein forms Q742E, Q406E.
Identifiers: ClinVar variation 718799 (VCV000718799.12), dbSNP rs189584917, ClinGen allele CA8584265.

ClinVar aggregate classification (germline): Benign/Likely benign. Review status: criteria provided, multiple submitters, no conflicts (2 of 4 stars). 4 submissions from 4 submitters: Benign (2); Likely benign (2). Last evaluated 2026-08-01.

Allele frequency attached by ClinVar (database versions not stated): gnomAD 0.00088 and 0.00081; 1000 Genomes Project 0.00140; 1000 Genomes Project 30x 0.00141; TOPMed 0.00168; ExAC 0.00174; gnomAD exomes 0.00238; ESP Exome Variant Server 0.00008.
gnomAD v4.1: 884 of 1,614,042 alleles (0.055%); highest among the groups gnomAD compares: Admixed American, 1.4%; 12 homozygotes.

Submissions (4):

CeGaT Center for Human Genetics Tuebingen
Classification: Likely benign. Last evaluated: 2026-08-01. Review status: criteria provided, single submitter. Criteria: CeGaT Center For Human Genetics Tuebingen Variant Classification Criteria Version 2. Collection method: clinical testing. Allele origin: germline. Affected: yes. Observed: 1 variant allele.
Comment: WNK4: BP4, BS1

Labcorp Genetics (formerly Invitae), Labcorp
Classification: Benign. Last evaluated: 2026-01-13. Review status: criteria provided, single submitter. Criteria: Invitae Variant Classification Sherloc (09022015). Collection method: clinical testing. Allele origin: germline.

Blueprint Genetics
Classification: Likely benign. Last evaluated: 2024-09-19. Review status: criteria provided, single submitter. Criteria: ACMG Guidelines, 2015. Collection method: clinical testing. Allele origin: germline.

Mayo Clinic Laboratories, Mayo Clinic
Classification: Benign. Last evaluated: 2023-02-01. Review status: criteria provided, single submitter. Criteria: ACMG Guidelines, 2015. Collection method: clinical testing. Allele origin: germline. Observed: 4 variant alleles.
Comment: BS1, BS2, BP4